The following is an entry in ClinVar:

ClinVar aggregate classification (germline): Uncertain significance (1 of 4 stars; one submission).

Conditions:
Inborn genetic diseases. Identifiers: MedGen C0950123, MeSH D030342.

Submission:

Ambry Genetics
Classification: Uncertain significance for Inborn genetic diseases. Last evaluated: 2025-02-05. Review status: criteria provided, single submitter. Criteria: Ambry Variant Classification Scheme 2023. Collection method: clinical testing. Allele origin: germline.
Comment: The p.A153S variant (also known as c.457G>T), located in coding exon 3 of the ANKRD26 gene, results from a G to T substitution at nucleotide position 457. The alanine at codon 153 is replaced by serine, an amino acid with similar properties. This amino acid position is conserved. In addition, the in silico prediction for this alteration is inconclusive. Based on the available evidence, the clinical significance of this variant remains unclear.

NM_014915.3(ANKRD26):c.457G>T (p.Ala153Ser)

Gene: ANKRD26 (ankyrin repeat domain containing 26; minus strand). Cytogenetic location: 10p12.1.
Variant type: single nucleotide variant.
Coding change: c.457G>T on transcript NM_014915.3 (MANE Select); coding-DNA position 457, G replaced by T.
Protein change: p.Ala153Ser; replaces alanine 153 with serine.
Molecular consequence: missense variant.
Genome position (GRCh38, 1-based): chr10:27,093,423, C>A on the plus strand (G>T on the coding strand, the complement: ANKRD26 is on the minus strand). VCF-style: chr10-27093423-C-A. GRCh37 (hg19) VCF-style: chr10-27382352-C-A.
Other names: c.457G>T, p.Ala153Ser (NM_001256053.2); short protein forms A153S.
Identifiers: ClinVar variation 3870991 (VCV003870991.1).